The following is an entry in ClinVar:

NM_000548.5(TSC2):c.3369G>A (p.Gly1123=)

Gene: TSC2 (TSC complex subunit 2; plus strand). Cytogenetic location: 16p13.3.
Variant type: single nucleotide variant.
Coding change: c.3369G>A on transcript NM_000548.5 (MANE Select); coding-DNA position 3369, G replaced by A.
Protein change: p.Gly1123=; no amino-acid change (glycine 1123 retained).
Molecular consequence: synonymous variant.
Genome position (GRCh38, 1-based): chr16:2,079,641, G>A. VCF-style: chr16-2079641-G-A. GRCh37 (hg19) VCF-style: chr16-2129642-G-A.
Other names: c.3237G>A, p.Gly1079= (NM_001077183.3, NM_001370404.1); c.3369G>A, p.Gly1123= (NM_001114382.3); c.3129G>A, p.Gly1043= (NM_001318827.2); c.3093G>A, p.Gly1031= (NM_001318829.2); c.2637G>A, p.Gly879= (NM_001318831.2); c.3270G>A, p.Gly1090= (NM_001318832.2); c.3240G>A, p.Gly1080= (NM_001363528.2, NM_001370405.1, NM_021055.3).
Identifiers: ClinVar variation 468008 (VCV000468008.12), dbSNP rs1555510958, ClinGen allele CA492955306.
Genomic context (GRCh38, chr16:2,079,641, plus strand): 5'-ACAGACCAAGGAGGCGCCGGCCAAGCTGGAGTCCCAGGCTGGGCAGCAGGTGTCCCGTGG[G>A]GCCCGGGATCGGGTCCGTTCCATGTCGGGTGAGCCTTGGCCCCAGCCACCTCCACACAGG-3'
Protein context (NP_000539.2, residues 1113-1133): ESQAGQQVSR[Gly1123=]ARDRVRSMSG

ClinVar aggregate classification (germline): Benign/Likely benign. Review status: criteria provided, multiple submitters, no conflicts (2 of 4 stars). 2 submissions from 2 submitters: Benign (1); Likely benign (1). Last evaluated 2025-05-28.

Conditions:
Tuberous sclerosis 2 (TSC2). Identifiers: Orphanet 805, MedGen C1860707, MONDO:0013199, OMIM 613254.

Allele frequency attached by ClinVar (database versions not stated): gnomAD 0.00001.
gnomAD v4.1: 1 of 1,606,322 alleles (0.000062%); highest among the groups gnomAD compares: Non-Finnish European, 0.000085%; no homozygotes.

Submissions (2):

Myriad Genetics, Inc.
Classification: Benign for Tuberous sclerosis 2. Last evaluated: 2025-05-28. Review status: criteria provided, single submitter. Criteria: Myriad Autosomal Dominant, Autosomal Recessive and X-Linked Classification Criteria (2023). Collection method: clinical testing. Allele origin: unknown.
Comment: This variant is considered benign. This variant is a silent/synonymous amino acid change and it is not expected to impact splicing.

Labcorp Genetics (formerly Invitae), Labcorp
Classification: Likely benign for Tuberous sclerosis 2. Last evaluated: 2024-06-17. Review status: criteria provided, single submitter. Criteria: Invitae Variant Classification Sherloc (09022015). Collection method: clinical testing. Allele origin: germline.